The following is an entry in ClinVar:

ClinVar aggregate classification (germline): Likely benign (1 of 4 stars; one submission).

gnomAD v4.1: 2 of 893,240 alleles (0.00022%); highest among the groups gnomAD compares: Non-Finnish European, 0.00031%; no homozygotes.

Submission:

Women's Health and Genetics/Laboratory Corporation of America, LabCorp
Classification: Likely benign. Last evaluated: 2026-02-27. Review status: criteria provided, single submitter. Criteria: LabCorp Variant Classification Summary - May 2015. Collection method: clinical testing. Allele origin: germline.
Comment: Variant summary: PNKD c.67+12G>C alters a nucleotide located at a position not widely known to affect splicing. Consensus agreement among computation tools predict no significant impact on normal splicing. However, these predictions have yet to be confirmed by functional studies. The variant was absent in 27146 control chromosomes. The available data on variant occurrences in the general population are insufficient to allow any conclusion about variant significance. To our knowledge, no occurrence of c.67+12G>C in individuals affected with PNKD-related conditions and no experimental evidence demonstrating its impact on protein function have been reported. No submitters have cited clinical-significance assessments for this variant to ClinVar. Based on the evidence outlined above, the variant was classified as likely benign.

NM_015488.5(PNKD):c.67+12G>C

Genes: PNKD (PNKD metallo-beta-lactamase domain containing; plus strand), LOC129935594 (ATAC-STARR-seq lymphoblastoid active region 17117; plus strand). Cytogenetic location: 2q35.
Variant type: single nucleotide variant.
Coding change: c.67+12G>C on transcript NM_015488.5 (MANE Select); 12 bases into the intron after coding-DNA position 67, G replaced by C.
Molecular consequence: intron variant.
Genome position (GRCh38, 1-based): chr2:218,270,614, G>C. VCF-style: chr2-218270614-G-C. GRCh37 (hg19) VCF-style: chr2-219135337-G-C.
Other names: c.67+12G>C (NM_001077399.3).
Identifiers: ClinVar variation 4848096 (VCV004848096.1).